The following is an entry in ClinVar:

ClinVar aggregate classification (germline): Uncertain significance (1 of 4 stars; one submission).

Conditions:
Baller-Gerold syndrome (BGS). Also called: CRANIOSYNOSTOSIS WITH RADIAL DEFECTS. Identifiers: Orphanet 1225, MedGen C0265308, MONDO:0009039, OMIM 218600.

Allele frequency attached by ClinVar (database versions not stated): TOPMed 0.00001.

Submission:

Labcorp Genetics (formerly Invitae), Labcorp
Classification: Uncertain significance for Baller-Gerold syndrome. Last evaluated: 2023-10-11. Review status: criteria provided, single submitter. Criteria: Invitae Variant Classification Sherloc (09022015). Collection method: clinical testing. Allele origin: germline.
Comment: This sequence change falls in intron 18 of the RECQL4 gene. It does not directly change the encoded amino acid sequence of the RECQL4 protein. This variant is not present in population databases (gnomAD no frequency). This variant has not been reported in the literature in individuals affected with RECQL4-related conditions. ClinVar contains an entry for this variant (Variation ID: 1046874). Algorithms developed to predict the effect of sequence changes on RNA splicing suggest that this variant may create or strengthen a splice site. In summary, the available evidence is currently insufficient to determine the role of this variant in disease. Therefore, it has been classified as a Variant of Uncertain Significance.

NM_004260.4(RECQL4):c.3237-6C>T

Gene: RECQL4 (RecQ like helicase 4; minus strand). Cytogenetic location: 8q24.3.
Variant type: single nucleotide variant.
Coding change: c.3237-6C>T on transcript NM_004260.4 (MANE Select); 6 bases into the intron before coding-DNA position 3237, C replaced by T.
Molecular consequence: intron variant.
Genome position (GRCh38, 1-based): chr8:144,512,073, G>A on the plus strand (C>T on the coding strand, the complement: RECQL4 is on the minus strand). VCF-style: chr8-144512073-G-A. GRCh37 (hg19) VCF-style: chr8-145737456-G-A.
Identifiers: ClinVar variation 1046874 (VCV001046874.5), dbSNP rs1827332199, ClinGen allele CA1826365589.